The following is an entry in ClinVar:

ClinVar aggregate classification (germline): Uncertain significance (1 of 4 stars; one submission).

Allele frequency attached by ClinVar (database versions not stated): gnomAD exomes below 0.00001.

Submission:

Labcorp Genetics (formerly Invitae), Labcorp
Classification: Uncertain significance. Last evaluated: 2022-10-24. Review status: criteria provided, single submitter. Criteria: Invitae Variant Classification Sherloc (09022015). Collection method: clinical testing. Allele origin: germline.
Comment: This sequence change replaces arginine, which is basic and polar, with threonine, which is neutral and polar, at codon 102 of the PHYH protein (p.Arg102Thr). This variant is present in population databases (no rsID available, gnomAD 0.006%). This variant has not been reported in the literature in individuals affected with PHYH-related conditions. Advanced modeling of protein sequence and biophysical properties (such as structural, functional, and spatial information, amino acid conservation, physicochemical variation, residue mobility, and thermodynamic stability) has been performed at Invitae for this missense variant, however the output from this modeling did not meet the statistical confidence thresholds required to predict the impact of this variant on PHYH protein function. In summary, the available evidence is currently insufficient to determine the role of this variant in disease. Therefore, it has been classified as a Variant of Uncertain Significance.

NM_006214.4(PHYH):c.305G>C (p.Arg102Thr)

Gene: PHYH (phytanoyl-CoA 2-hydroxylase; minus strand). Cytogenetic location: 10p13.
Variant type: single nucleotide variant.
Coding change: c.305G>C on transcript NM_006214.4 (MANE Select); coding-DNA position 305, G replaced by C.
Protein change: p.Arg102Thr; replaces arginine 102 with threonine.
Molecular consequence: missense variant.
Genome position (GRCh38, 1-based): chr10:13,294,537, C>G on the plus strand (G>C on the coding strand, the complement: PHYH is on the minus strand). VCF-style: chr10-13294537-C-G. GRCh37 (hg19) VCF-style: chr10-13336537-C-G.
Other names: c.5G>C, p.Arg2Thr (NM_001037537.2, NM_001323080.2, NM_001323084.2); c.305G>C, p.Arg102Thr (NM_001323082.2, NM_001323083.2); short protein forms R102T, R2T.
Identifiers: ClinVar variation 1958092 (VCV001958092.2), dbSNP rs1290322799, ClinGen allele CA376037221.
Genomic context (GRCh38, chr10:13,294,537, plus strand): 5'-TGGACCTTCGTGATCATCTTCTCACTTGGAGCATATTCGGATTTCGAAATGGTCACATCT[C>G]TCATTACTGTTAATCCTAATGGTTTCACCTCCTTTCTGCAGATTTTTTCAAACTCATTCC-3'
Protein context (NP_006205.1, residues 92-112): EVKPLGLTVM[Arg102Thr]DVTISKSEYA